The following is an entry in ClinVar:

ClinVar aggregate classification (germline): Uncertain significance. Review status: criteria provided, multiple submitters, no conflicts (2 of 4 stars). 6 submissions from 6 submitters: Uncertain significance (6). Last evaluated 2025-08-05.

Conditions:
Hereditary cancer-predisposing syndrome. Also called: Hereditary Cancer Syndrome; Neoplastic Syndromes, Hereditary; Tumor predisposition; Hereditary neoplastic syndrome. Identifiers: Orphanet 140162, MedGen C0027672, MeSH D009386, MONDO:0015356.
Tuberous sclerosis syndrome (TSC). Also called: Tuberous sclerosis; Tuberous Sclerosis Complex. Identifiers: Orphanet 805, MedGen C0041341, MONDO:0001734.
Isolated focal cortical dysplasia type II (FCORD2). Also called: CORTICAL DYSPLASIA OF TAYLOR; Focal cortical dysplasia type II. Identifiers: Orphanet 268994, MedGen C1846385, MONDO:0011818, OMIM 607341, HP:0032051.
Tuberous sclerosis 2 (TSC2). Identifiers: Orphanet 805, MedGen C1860707, MONDO:0013199, OMIM 613254.

gnomAD v4.1: 10 of 1,612,590 alleles (0.00062%); highest among the groups gnomAD compares: Admixed American, 0.0017%; no homozygotes.

Submissions (6):

Color Diagnostics, LLC DBA Color Health
Classification: Uncertain significance for Tuberous sclerosis syndrome. Last evaluated: 2025-08-05. Review status: criteria provided, single submitter. Criteria: ACMG Guidelines, 2015. Collection method: clinical testing. Allele origin: germline.
Comment: This missense variant replaces asparagine with serine at codon 1564 of the TSC2 protein. Computational prediction suggests that this variant may have deleterious impact on protein structure and function. To our knowledge, functional studies have not been reported for this variant. This variant has not been reported in individuals affected with TSC2-related disorders in the literature. This variant has not been identified in the general population by the Genome Aggregation Database (gnomAD). The available evidence is insufficient to determine the role of this variant in disease conclusively. Therefore, this variant is classified as a Variant of Uncertain Significance.

Ambry Genetics
Classification: Uncertain significance for Hereditary cancer-predisposing syndrome. Last evaluated: 2024-08-05. Review status: criteria provided, single submitter. Criteria: Ambry Variant Classification Scheme 2023. Collection method: clinical testing. Allele origin: germline.
Comment: The p.N1564S variant (also known as c.4691A>G), located in coding exon 36 of the TSC2 gene, results from an A to G substitution at nucleotide position 4691. The asparagine at codon 1564 is replaced by serine, an amino acid with highly similar properties. This amino acid position is highly conserved in available vertebrate species. In addition, this alteration is predicted to be deleterious by in silico analysis. Based on the available evidence, the clinical significance of this variant remains unclear.

Labcorp Genetics (formerly Invitae), Labcorp
Classification: Uncertain significance for Tuberous sclerosis 2. Last evaluated: 2024-06-19. Review status: criteria provided, single submitter. Criteria: Invitae Variant Classification Sherloc (09022015). Collection method: clinical testing. Allele origin: germline.
Comment: This sequence change replaces asparagine, which is neutral and polar, with serine, which is neutral and polar, at codon 1564 of the TSC2 protein (p.Asn1564Ser). This variant is not present in population databases (gnomAD no frequency). This variant has not been reported in the literature in individuals affected with TSC2-related conditions. ClinVar contains an entry for this variant (Variation ID: 232502). Advanced modeling of protein sequence and biophysical properties (such as structural, functional, and spatial information, amino acid conservation, physicochemical variation, residue mobility, and thermodynamic stability) performed at Invitae indicates that this missense variant is expected to disrupt TSC2 protein function with a positive predictive value of 95%. In summary, the available evidence is currently insufficient to determine the role of this variant in disease. Therefore, it has been classified as a Variant of Uncertain Significance.

Baylor Genetics
Classification: Uncertain significance for Isolated focal cortical dysplasia type II. Last evaluated: 2023-11-24. Review status: criteria provided, single submitter. Criteria: ACMG Guidelines, 2015. Collection method: clinical testing. Allele origin: unknown.

All of Us Research Program, National Institutes of Health
Classification: Uncertain significance for Tuberous sclerosis syndrome. Last evaluated: 2023-10-30. Review status: criteria provided, single submitter. Criteria: ACMG Guidelines, 2015. Collection method: clinical testing. Allele origin: germline. Inheritance: Autosomal dominant inheritance. Observed: 2 variant alleles, 2 heterozygotes.
Comment: This missense variant replaces asparagine with serine at codon 1564 of the TSC2 protein. Computational prediction suggests that this variant may have deleterious impact on protein structure and function (internally defined REVEL score threshold >= 0.7, PMID: 27666373). To our knowledge, functional studies have not been reported for this variant. This variant has not been reported in individuals affected with TSC2-related disorders in the literature. This variant has not been identified in the general population by the Genome Aggregation Database (gnomAD). The available evidence is insufficient to determine the role of this variant in disease conclusively. Therefore, this variant is classified as a Variant of Uncertain Significance.

This study involves interpretation of variants in research participants for the purpose of population health screening. Participant phenotype was not available at the time of variant classification. Additional details can be found in publication PMID: 35346344, PMCID: PMC8962531

Genome-Nilou Lab
Classification: Uncertain significance for Tuberous sclerosis 2. Last evaluated: 2021-11-07. Review status: criteria provided, single submitter. Criteria: ACMG Guidelines, 2015. Collection method: clinical testing. Allele origin: germline. Affected: no.

NM_000548.5(TSC2):c.4691A>G (p.Asn1564Ser)

Gene: TSC2 (TSC complex subunit 2; plus strand). Cytogenetic location: 16p13.3.
Variant type: single nucleotide variant.
Coding change: c.4691A>G on transcript NM_000548.5 (MANE Select); coding-DNA position 4691, A replaced by G.
Protein change: p.Asn1564Ser; replaces asparagine 1564 with serine.
Molecular consequence: missense variant.
Genome position (GRCh38, 1-based): chr16:2,086,221, A>G. VCF-style: chr16-2086221-A-G. GRCh37 (hg19) VCF-style: chr16-2136222-A-G.
Other names: c.4490A>G, p.Asn1497Ser (NM_001077183.3); c.4622A>G, p.Asn1541Ser (NM_001114382.3); c.4382A>G, p.Asn1461Ser (NM_001318827.2); c.4346A>G, p.Asn1449Ser (NM_001318829.2); c.3959A>G, p.Asn1320Ser (NM_001318831.2); c.4523A>G, p.Asn1508Ser (NM_001318832.2); c.4493A>G, p.Asn1498Ser (NM_001363528.2); c.4559A>G, p.Asn1520Ser (NM_001370404.1); and 1 more; short protein forms N1564S, N1320S, N1449S, N1461S, N1520S, N1498S, N1508S, N1541S.
Identifiers: ClinVar variation 232502 (VCV000232502.20), dbSNP rs876659806, ClinGen allele CA10579904.